The following is an entry in ClinVar:

ClinVar aggregate classification (germline): Uncertain significance. Review status: criteria provided, single submitter (1 of 4 stars). 2 submissions from 2 submitters: Uncertain significance (1). 1 of the submissions does not count toward it. Last evaluated 2022-10-24.

Conditions:
Decreased circulating carnitine concentration. Also called: Decreased plasma carnitine. Identifiers: MedGen C5848230, HP:0003234.
Renal carnitine transport defect (CDSP). Also called: Primary carnitine deficiency; CARNITINE DEFICIENCY, SYSTEMIC, DUE TO DEFECT IN RENAL REABSORPTION OF CARNITINE; CARNITINE TRANSPORTER, PLASMA-MEMBRANE, DEFICIENCY OF; CARNITINE UPTAKE DEFECT; Systemic primary carnitine deficiency; Systemic primary carnitine deficiency disease. Identifiers: Orphanet 158, MedGen C0342788, MONDO:0008919, OMIM 212140.

Allele frequency attached by ClinVar (database versions not stated): gnomAD 0.00001 and 0.00002; gnomAD exomes 0.00002 and 0.00003; ExAC 0.00003; 1000 Genomes Project 30x 0.00016; 1000 Genomes Project 0.00020.
gnomAD v4.1: 37 of 1,614,112 alleles (0.0023%); highest among the groups gnomAD compares: East Asian, 0.0045%; no homozygotes.

Submissions (2):

Labcorp Genetics (formerly Invitae), Labcorp
Classification: Uncertain significance for Renal carnitine transport defect. Last evaluated: 2022-10-24. Review status: criteria provided, single submitter. Criteria: Invitae Variant Classification Sherloc (09022015). Collection method: clinical testing. Allele origin: germline.
Comment: This sequence change replaces proline, which is neutral and non-polar, with leucine, which is neutral and non-polar, at codon 315 of the SLC22A5 protein (p.Pro315Leu). This variant is present in population databases (rs200697217, gnomAD 0.02%). This variant has not been reported in the literature in individuals affected with SLC22A5-related conditions. ClinVar contains an entry for this variant (Variation ID: 460421). Advanced modeling of protein sequence and biophysical properties (such as structural, functional, and spatial information, amino acid conservation, physicochemical variation, residue mobility, and thermodynamic stability) performed at Invitae indicates that this missense variant is not expected to disrupt SLC22A5 protein function. In summary, the available evidence is currently insufficient to determine the role of this variant in disease. Therefore, it has been classified as a Variant of Uncertain Significance.

Natera, Inc.
Classification: Uncertain significance for Carnitine deficiency. Last evaluated: 2019-11-11. Review status: no assertion criteria provided. Collection method: clinical testing. Allele origin: germline. Not counted in ClinVar's aggregate classification.

NM_003060.4(SLC22A5):c.944C>T (p.Pro315Leu)

Gene: SLC22A5 (solute carrier family 22 member 5; plus strand). Cytogenetic location: 5q31.1.
Variant type: single nucleotide variant.
Coding change: c.944C>T on transcript NM_003060.4 (MANE Select); coding-DNA position 944, C replaced by T.
Protein change: p.Pro315Leu; replaces proline 315 with leucine.
Molecular consequence: missense variant.
Genome position (GRCh38, 1-based): chr5:132,387,144, C>T. VCF-style: chr5-132387144-C-T. GRCh37 (hg19) VCF-style: chr5-131722836-C-T.
Other names: c.1016C>T, p.Pro339Leu (NM_001308122.2); short protein forms P315L, P339L.
Identifiers: ClinVar variation 460421 (VCV000460421.5), dbSNP rs200697217, ClinGen allele CA3404012.